The following is an entry in ClinVar:

ClinVar aggregate classification (germline): Conflicting classifications of pathogenicity. Review status: criteria provided, conflicting classifications (1 of 4 stars). 3 submissions from 3 submitters: Likely pathogenic (1); Uncertain significance (1). 1 of the submissions does not count toward it. Last evaluated 2024-10-25.

Conditions:
ALOXE3-related disorder. Also called: ALOXE3-related condition.
Autosomal recessive congenital ichthyosis 3 (ARCI3). Also called: ICHTHYOSIS, LAMELLAR, 5. Identifiers: MedGen C3539888, MONDO:0011680, OMIM 606545.

Allele frequency attached by ClinVar (database versions not stated): TOPMed below 0.00001; gnomAD 0.00001; gnomAD exomes 0.00001 and 0.00002; ExAC 0.00002.
gnomAD v4.1: 23 of 1,613,698 alleles (0.0014%); highest among the groups gnomAD compares: Admixed American, 0.0017%; no homozygotes.

Submissions (3):

Women's Health and Genetics/Laboratory Corporation of America, LabCorp
Classification: Uncertain significance. Last evaluated: 2024-10-25. Review status: criteria provided, single submitter. Criteria: LabCorp Variant Classification Summary - May 2015. Collection method: clinical testing. Allele origin: germline.
Comment: Variant summary: ALOXE3 c.923T>C (p.Leu308Pro) results in a non-conservative amino acid change located in the Lipoxygenase, C-terminal domain (IPR013819) of the encoded protein sequence. Five of five in-silico tools predict a damaging effect of the variant on protein function. The variant allele was found at a frequency of 1.6e-05 in 251484 control chromosomes. The available data on variant occurrences in the general population are insufficient to allow any conclusion about variant significance. c.923T>C has been reported in the literature in at-least one individual affected with autosomal recessive congenital ichthyoses (Hotz_2021). These data do not allow any conclusion about variant significance. To our knowledge, no experimental evidence demonstrating an impact on protein function has been reported. The following publication has been ascertained in the context of this evaluation (PMID: 33435499). ClinVar contains an entry for this variant (Variation ID: 995466). Based on the evidence outlined above, the variant was classified as uncertain significance.

Blueprint Genetics
Classification: Likely pathogenic for ALOXE3-related disorders. Last evaluated: 2024-10-22. Review status: criteria provided, single submitter. Criteria: ACMG Guidelines, 2015. Collection method: clinical testing. Allele origin: germline. Affected: yes. Observed: 5 variant alleles.

Institute for Human Genetics, University Medical Center Freiburg
Classification: Pathogenic for Autosomal recessive congenital ichthyosis 3. Last evaluated: 2021-01-07. Review status: no assertion criteria provided. Collection method: clinical testing. Allele origin: unknown. Affected: yes. Not counted in ClinVar's aggregate classification.

Literature cited by the submitters: PubMed 33435499 (cited by Women's Health and Genetics/Laboratory Corporation of America, LabCorp).

NM_021628.3(ALOXE3):c.923T>C (p.Leu308Pro)

Gene: ALOXE3 (arachidonate epidermal lipoxygenase 3; minus strand). Cytogenetic location: 17p13.1.
Variant type: single nucleotide variant.
Coding change: c.923T>C on transcript NM_021628.3 (MANE Select); coding-DNA position 923, T replaced by C.
Protein change: p.Leu308Pro; replaces leucine 308 with proline.
Molecular consequence: missense variant.
Genome position (GRCh38, 1-based): chr17:8,111,393, A>G on the plus strand (T>C on the coding strand, the complement: ALOXE3 is on the minus strand). VCF-style: chr17-8111393-A-G. GRCh37 (hg19) VCF-style: chr17-8014711-A-G.
Other names: c.1319T>C, p.Leu440Pro (NM_001165960.1); c.920T>C, p.Leu307Pro (NM_001369446.1); short protein forms L307P, L308P, L440P.
Identifiers: ClinVar variation 995466 (VCV000995466.4), dbSNP rs764052154, ClinGen allele CA8368255.